The following is an entry in ClinVar:

NC_000009.11:g.(131383536_131386606)_(131395942_?)dup

Genes: DYNC2I2 (dynein 2 intermediate chain 2; minus strand), SPTAN1 (spectrin alpha, non-erythrocytic 1; plus strand). Cytogenetic location: 9q34.11.
Variant type: Duplication.
Identifiers: ClinVar variation 4847949 (VCV004847949.1).

ClinVar aggregate classification (germline): Uncertain significance (1 of 4 stars; one submission).

Submission:

Women's Health and Genetics/Laboratory Corporation of America, LabCorp
Classification: Uncertain significance. Last evaluated: 2026-02-09. Review status: criteria provided, single submitter. Criteria: LabCorp Variant Classification Summary - May 2015. Collection method: clinical testing. Allele origin: germline.
Comment: Variant summary: The variant involves the duplication of exons 46-57 in the SPTAN1 gene. A presumed nomenclature of c.(5832+1_5833-1)_(*329_?)dup has been designated for the purposes of this classification. The exact breakpoint at the 3' end of this variant is unknown, therefore this duplication may extend downstream of the annotated region of the gene. As it duplicates the termination codon, its effect on the encoded protein is unknown. A similar large duplication allele was found at a frequency of 1.5e-05 in 462883 control chromosomes in the gnomAD database (CNVs v4.1 dataset). The occurrence in several carriers suggests that this variant is likely not associated with a high penetrance, severe, early onset disease phenotype in heterozygous state. To our knowledge, no occurrence of c.(5832+1_5833-1)_(*329_?)dup in individuals affected with SPTAN1-related conditions and no experimental evidence demonstrating its impact on protein function have been reported. ClinVar contains an entry for this variant (Variation ID: 583833). Based on the evidence outlined above, the variant was classified as VUS-possibly benign.